The following is an entry in ClinVar:

NM_152296.5(ATP1A3):c.2491A>T (p.Thr831Ser)

Gene: ATP1A3 (ATPase Na+/K+ transporting subunit alpha 3; minus strand). Cytogenetic location: 19q13.2.
Variant type: single nucleotide variant.
Coding change: c.2491A>T on transcript NM_152296.5 (MANE Select); coding-DNA position 2491, A replaced by T.
Protein change: p.Thr831Ser; replaces threonine 831 with serine.
Molecular consequence: missense variant.
Genome position (GRCh38, 1-based): chr19:41,970,236, T>A on the plus strand (A>T on the coding strand, the complement: ATP1A3 is on the minus strand). VCF-style: chr19-41970236-T-A. GRCh37 (hg19) VCF-style: chr19-42474388-T-A.
Other names: c.2524A>T, p.Thr842Ser (NM_001256213.2); c.2530A>T, p.Thr844Ser (NM_001256214.2); c.2491A>T (NM_152296.3); short protein forms T831S, T842S, T844S.
Identifiers: ClinVar variation 2505009 (VCV002505009.25), dbSNP rs1555859499, ClinGen allele CA406038752.

ClinVar aggregate classification (germline): Uncertain significance. Review status: criteria provided, multiple submitters, no conflicts (2 of 4 stars). 5 submissions from 5 submitters: Uncertain significance (5). Last evaluated 2025-02-04.

Conditions:
Inborn genetic diseases. Identifiers: MedGen C0950123, MeSH D030342.
ATP1A3-related disorder. Also called: ATP1A3-related condition; ATP1A3-related disorders. Identifiers: MedGen CN381097.
Dystonia 12 (DYT12). Also called: DYT-ATP1A3; Rapid-Onset Dystonia-Parkinsonism (RDP). Identifiers: Orphanet 71517, MedGen C1868681, MONDO:0007496, OMIM 128235.

Allele frequency attached by ClinVar (database versions not stated): TOPMed below 0.00001; gnomAD exomes 0.00002.
gnomAD v4.1: 34 of 1,614,212 alleles (0.0021%); highest among the groups gnomAD compares: Non-Finnish European, 0.0026%; no homozygotes.

Submissions (5):

Labcorp Genetics (formerly Invitae), Labcorp
Classification: Uncertain significance for Dystonia 12. Last evaluated: 2025-02-04. Review status: criteria provided, single submitter. Criteria: Invitae Variant Classification Sherloc (09022015). Collection method: clinical testing. Allele origin: germline.
Comment: This sequence change replaces threonine, which is neutral and polar, with serine, which is neutral and polar, at codon 831 of the ATP1A3 protein (p.Thr831Ser). This variant is present in population databases (no rsID available, gnomAD 0.0009%). This variant has not been reported in the literature in individuals affected with ATP1A3-related conditions. ClinVar contains an entry for this variant (Variation ID: 2505009). Invitae Evidence Modeling of protein sequence and biophysical properties (such as structural, functional, and spatial information, amino acid conservation, physicochemical variation, residue mobility, and thermodynamic stability) has been performed for this missense variant. However, the output from this modeling did not meet the statistical confidence thresholds required to predict the impact of this variant on ATP1A3 protein function. In summary, the available evidence is currently insufficient to determine the role of this variant in disease. Therefore, it has been classified as a Variant of Uncertain Significance.

Ambry Genetics
Classification: Uncertain significance for Inborn genetic diseases. Last evaluated: 2024-08-27. Review status: criteria provided, single submitter. Criteria: Ambry Variant Classification Scheme 2023. Collection method: clinical testing. Allele origin: germline.

CeGaT Center for Human Genetics Tuebingen
Classification: Uncertain significance. Last evaluated: 2024-05-01. Review status: criteria provided, single submitter. Criteria: CeGaT Center For Human Genetics Tuebingen Variant Classification Criteria Version 2. Collection method: clinical testing. Allele origin: germline. Affected: yes. Observed: 1 variant allele.
Comment: ATP1A3: PM2, PP2

PreventionGenetics, part of Exact Sciences
Classification: Uncertain significance for ATP1A3-related condition. Last evaluated: 2023-05-03. Review status: criteria provided, single submitter. Criteria: ACMG Guidelines, 2015. Collection method: clinical testing. Allele origin: germline.
Comment: The ATP1A3 c.2530A>T variant is predicted to result in the amino acid substitution p.Thr844Ser. To our knowledge, this variant has not been reported in the literature. This variant is reported in 0.00088% of alleles in individuals of European (Non-Finnish) descent in gnomAD. At this time, the clinical significance of this variant is uncertain due to the absence of conclusive functional and genetic evidence.

GeneDx
Classification: Uncertain significance. Last evaluated: 2022-12-07. Review status: criteria provided, single submitter. Criteria: GeneDx Variant Classification Process June 2021. Collection method: clinical testing. Allele origin: germline. Affected: yes.
Comment: Not observed at significant frequency in large population cohorts (gnomAD); In silico analysis supports that this missense variant does not alter protein structure/function; Has not been previously published as pathogenic or benign to our knowledge